The following is an entry in ClinVar:

NM_052859.4(RFT1):c.10C>A (p.Gln4Lys)

Genes: RFT1 (RFT1 glycolipid translocator homolog; minus strand), LOC129936883 (ATAC-STARR-seq lymphoblastoid active region 19954; plus strand). Cytogenetic location: 3p21.1.
Variant type: single nucleotide variant.
Coding change: c.10C>A on transcript NM_052859.4 (MANE Select); coding-DNA position 10, C replaced by A.
Protein change: p.Gln4Lys; replaces glutamine 4 with lysine.
Molecular consequence: missense variant.
Genome position (GRCh38, 1-based): chr3:53,130,391, G>T on the plus strand (C>A on the coding strand, the complement: RFT1 is on the minus strand). VCF-style: chr3-53130391-G-T. GRCh37 (hg19) VCF-style: chr3-53164407-G-T.
Other names: short protein forms Q4K.
Identifiers: ClinVar variation 1441974 (VCV001441974.6), dbSNP rs773959881, ClinGen allele CA353225323.

ClinVar aggregate classification (germline): Uncertain significance (1 of 4 stars; one submission).

Conditions:
RFT1-congenital disorder of glycosylation (CDG1N). Also called: RFT1-CDG; Congenital disorder of glycosylation type In; CDG In. Identifiers: Orphanet 244310, MedGen C2677590, MONDO:0012783, OMIM 612015.

gnomAD v4.1: 1 of 1,555,932 alleles (0.000064%); highest among the groups gnomAD compares: Non-Finnish European, 0.000087%; no homozygotes.

Submission:

Labcorp Genetics (formerly Invitae), Labcorp
Classification: Uncertain significance for RFT1-congenital disorder of glycosylation. Last evaluated: 2026-02-02. Review status: criteria provided, single submitter. Criteria: Invitae Variant Classification Sherloc (09022015). Collection method: clinical testing. Allele origin: germline.
Comment: This sequence change replaces glutamine, which is neutral and polar, with lysine, which is basic and polar, at codon 4 of the RFT1 protein (p.Gln4Lys). This variant is not present in population databases (gnomAD no frequency). This variant has not been reported in the literature in individuals affected with RFT1-related conditions. ClinVar contains an entry for this variant (Variation ID: 1441974). An algorithm developed to predict the effect of missense changes on protein structure and function (PolyPhen-2) suggests that this variant is likely to be tolerated. In summary, the available evidence is currently insufficient to determine the role of this variant in disease. Therefore, it has been classified as a Variant of Uncertain Significance.